The following is an entry in ClinVar:

NM_001082971.2(DDC):c.201+4A>G

Gene: DDC (dopa decarboxylase; minus strand). Cytogenetic location: 7p12.1.
Variant type: single nucleotide variant.
Coding change: c.201+4A>G on transcript NM_001082971.2 (MANE Select); 4 bases into the intron after coding-DNA position 201, A replaced by G.
Molecular consequence: intron variant.
Genome position (GRCh38, 1-based): chr7:50,543,881, T>C on the plus strand (A>G on the coding strand, the complement: DDC is on the minus strand). VCF-style: chr7-50543881-T-C. GRCh37 (hg19) VCF-style: chr7-50611579-T-C.
Other names: c.201+4A>G (NM_001242888.2, NM_001242886.2, NM_001242889.2 and 3 more transcripts).
Identifiers: ClinVar variation 3001817 (VCV003001817.1), dbSNP rs2044715712, ClinGen allele CA1706650815.

ClinVar aggregate classification (germline): Uncertain significance (1 of 4 stars; one submission).

Conditions:
Deficiency of aromatic-L-amino-acid decarboxylase. Also called: Aromatic L-Amino Acid Decarboxylase Deficiency; Aromatic amino acid decarboxylase deficiency; AADC DEFICIENCY; DDC DEFICIENCY; DOPA DECARBOXYLASE DEFICIENCY. Identifiers: Orphanet 35708, MedGen C1291564, MONDO:0012084, OMIM 608643.

Allele frequency attached by ClinVar (database versions not stated): gnomAD exomes below 0.00001; TOPMed 0.00001.
gnomAD v4.1: 1 of 1,613,854 alleles (0.000062%); highest among the groups gnomAD compares: Admixed American, 0.0017%; no homozygotes.

Submission:

Labcorp Genetics (formerly Invitae), Labcorp
Classification: Uncertain significance for Deficiency of aromatic-L-amino-acid decarboxylase. Last evaluated: 2023-08-04. Review status: criteria provided, single submitter. Criteria: Invitae Variant Classification Sherloc (09022015). Collection method: clinical testing. Allele origin: germline.
Comment: This variant is not present in population databases (gnomAD no frequency). In summary, the available evidence is currently insufficient to determine the role of this variant in disease. Therefore, it has been classified as a Variant of Uncertain Significance. Variants that disrupt the consensus splice site are a relatively common cause of aberrant splicing (PMID: 17576681, 9536098). Algorithms developed to predict the effect of sequence changes on RNA splicing suggest that this variant may create or strengthen a splice site. This variant has not been reported in the literature in individuals affected with DDC-related conditions. This sequence change falls in intron 2 of the DDC gene. It does not directly change the encoded amino acid sequence of the DDC protein. It affects a nucleotide within the consensus splice site.

Literature cited by the submitters: PubMed 17576681; PubMed 9536098.